The following is an entry in ClinVar:

ClinVar aggregate classification (germline): Uncertain significance (1 of 4 stars; one submission).

Conditions:
Episodic ataxia type 2 (EA2). Also called: ATAXIA, EPISODIC, WITH NYSTAGMUS; ATAXIA, FAMILIAL PAROXYSMAL; ACETAZOLAMIDE-RESPONSIVE HEREDITARY PAROXYSMAL CEREBELLAR ATAXIA; CEREBELLAR ATAXIA, PAROXYSMAL, ACETAZOLAMIDE-RESPONSIVE; CEREBELLOPATHY, HEREDITARY PAROXYSMAL; EPISODIC ATAXIA, NYSTAGMUS-ASSOCIATED. Identifiers: Orphanet 97, MedGen C1720416, MONDO:0007163, OMIM 108500.
Developmental and epileptic encephalopathy, 42 (DEE42A). Also called: Epileptic encephalopathy, early infantile, 42; DEVELOPMENTAL AND EPILEPTIC ENCEPHALOPATHY 42A; EPILEPTIC ENCEPHALOPATHY, EARLY INFANTILE, 42A. Identifiers: MedGen C4310716, MONDO:0014917, OMIM 617106.

Submission:

Labcorp Genetics (formerly Invitae), Labcorp
Classification: Uncertain significance for Developmental and epileptic encephalopathy, 42; Episodic ataxia type 2. Last evaluated: 2024-02-22. Review status: criteria provided, single submitter. Criteria: Invitae Variant Classification Sherloc (09022015). Collection method: clinical testing. Allele origin: germline.
Comment: This sequence change replaces glutamine, which is neutral and polar, with histidine, which is basic and polar, at codon 69 of the CACNA1A protein (p.Gln69His). This variant is not present in population databases (gnomAD no frequency). This variant has not been reported in the literature in individuals affected with CACNA1A-related conditions. Advanced modeling of protein sequence and biophysical properties (such as structural, functional, and spatial information, amino acid conservation, physicochemical variation, residue mobility, and thermodynamic stability) performed at Invitae indicates that this missense variant is not expected to disrupt CACNA1A protein function with a negative predictive value of 95%. In summary, the available evidence is currently insufficient to determine the role of this variant in disease. Therefore, it has been classified as a Variant of Uncertain Significance.

NM_001127222.2(CACNA1A):c.207G>C (p.Gln69His)

Gene: CACNA1A (calcium voltage-gated channel subunit alpha1 A; minus strand). Cytogenetic location: 19p13.13.
Variant type: single nucleotide variant.
Coding change: c.207G>C on transcript NM_001127222.2 (MANE Select); coding-DNA position 207, G replaced by C.
Protein change: p.Gln69His; replaces glutamine 69 with histidine.
Molecular consequence: missense variant.
Genome position (GRCh38, 1-based): chr19:13,506,018, C>G on the plus strand (G>C on the coding strand, the complement: CACNA1A is on the minus strand). VCF-style: chr19-13506018-C-G. GRCh37 (hg19) VCF-style: chr19-13616832-C-G.
Other names: c.207G>C, p.Gln69His (NM_000068.4, NM_001127221.2, NM_001174080.2 and 1 more transcripts); short protein forms Q69H.
Identifiers: ClinVar variation 3754172 (VCV003754172.2).